The following is an entry in ClinVar:

NM_000238.4(KCNH2):c.680C>A (p.Pro227His)

Gene: KCNH2 (potassium voltage-gated channel subfamily H member 2; minus strand). Cytogenetic location: 7q36.1.
Variant type: single nucleotide variant.
Coding change: c.680C>A on transcript NM_000238.4 (MANE Select); coding-DNA position 680, C replaced by A.
Protein change: p.Pro227His; replaces proline 227 with histidine.
Molecular consequence: missense variant.
Genome position (GRCh38, 1-based): chr7:150,958,295, G>T on the plus strand (C>A on the coding strand, the complement: KCNH2 is on the minus strand). VCF-style: chr7-150958295-G-T. GRCh37 (hg19) VCF-style: chr7-150655383-G-T.
Other names: c.392C>A, p.Pro131His (NM_001406753.1, NM_001406756.1); c.503C>A, p.Pro168His (NM_001406755.1); c.380C>A, p.Pro127His (NM_001406757.1); c.680C>A, p.Pro227His (NM_172056.3); short protein forms P131H, P127H, P168H, P227H.
Identifiers: ClinVar variation 2141918 (VCV002141918.4), dbSNP rs1254179611, ClinGen allele CA369862854.

ClinVar aggregate classification (germline): Uncertain significance (1 of 4 stars; one submission).

Conditions:
Long QT syndrome (LQTS). Identifiers: MedGen C0023976, MeSH D008133, MONDO:0002442. Disease mechanism: loss of function. Inheritance: Various modes of inheritance.

gnomAD v4.1: 1 of 1,472,594 alleles (0.000068%); no homozygotes.

Submission:

Labcorp Genetics (formerly Invitae), Labcorp
Classification: Uncertain significance for Long QT syndrome. Last evaluated: 2022-11-24. Review status: criteria provided, single submitter. Criteria: Invitae Variant Classification Sherloc (09022015). Collection method: clinical testing. Allele origin: germline.
Comment: In summary, the available evidence is currently insufficient to determine the role of this variant in disease. Therefore, it has been classified as a Variant of Uncertain Significance. Algorithms developed to predict the effect of missense changes on protein structure and function (SIFT, PolyPhen-2, Align-GVGD) all suggest that this variant is likely to be tolerated. This variant has not been reported in the literature in individuals affected with KCNH2-related conditions. This variant is not present in population databases (gnomAD no frequency). This sequence change replaces proline, which is neutral and non-polar, with histidine, which is basic and polar, at codon 227 of the KCNH2 protein (p.Pro227His).